The following continues an entry in ClinVar:

NM_000051.4(ATM):c.6814G>A (p.Glu2272Lys)

ClinVar aggregate classification (germline): Uncertain significance. Uncertain significance (11).

Submissions 10 to 14 of 14:

GeneDx
Classification: Uncertain significance. Last evaluated: 2018-11-19. Review status: criteria provided, single submitter. Criteria: GeneDx Variant Classification (06012015). Collection method: clinical testing. Allele origin: germline. Affected: yes.
Comment: This variant is denoted ATM c.6814G>A at the cDNA level, p.Glu2272Lys (E2272K) at the protein level, and results in the change of a Glutamic Acid to a Lysine (GAA>AAA). This variant was observed in an individual with childhood acute lymphoblastic leukemia (Gumy Pause 2003). ATM Glu2272Lys was not observed at a significant allele frequency in large population cohorts (Lek 2016). ATM Glu2272Lys is located in the FAT domain (Stracker 2013). In-silico analysis, which includes protein predictors and evolutionary conservation, supports that this variant does not alter protein structure/function. Based on currently available information, it is unclear whether ATM Glu2272Lys is a pathogenic or benign variant. We consider it to be a variant of uncertain significance.

Eurofins Ntd Llc (ga)
Classification: Uncertain significance. Last evaluated: 2017-05-12. Review status: criteria provided, single submitter. Criteria: EGL Classification Definitions 2015. Collection method: clinical testing. Allele origin: germline. Observed: 1 variant allele, 1 heterozygote.

Natera, Inc.
Classification: Uncertain significance for Ataxia-telangiectasia. Last evaluated: 2021-01-12. Review status: no assertion criteria provided. Collection method: clinical testing. Allele origin: germline. Not counted in ClinVar's aggregate classification.

Counsyl
Classification: Uncertain significance for Ataxia-telangiectasia syndrome. Last evaluated: 2017-08-08. Review status: no assertion criteria provided. Collection method: clinical testing. Allele origin: unknown. Not counted in ClinVar's aggregate classification.

Department of Pathology and Laboratory Medicine, Sinai Health System
Classification: Uncertain significance for Malignant tumor of breast. Review status: no assertion criteria provided. Collection method: clinical testing. Allele origin: unknown. Affected: yes. Study: The Canadian Open Genetics Repository (COGR). Not counted in ClinVar's aggregate classification.
Comment: The ATM p.Glu2272Lys variant was identified in 1 of 114 proband chromosomes (frequency: 0.009) from individuals or families with B-precursor ALL, and was not identified in 128 control chromosomes from healthy individuals (Pause 2003). The variant was identified in dbSNP (ID: rs886039471) as "With Uncertain significance allele", ClinVar (classified as uncertain significance by Invitae, GeneDx, Ambry Genetics and three other submitters), and in LOVD 3.0 (1x as pathogenic (2019)). The variant was identified in control databases in 1 of 30966 chromosomes at a frequency of 0.00003 (Genome Aggregation Database Feb 27, 2017). The variant was observed in the African population in 1 of 8728 chromosomes (freq: 0.0001), while the variant was not observed in the Other, Latino, European, Ashkenazi Jewish, East Asian, South Asian, and Finnish, populations. The p.Glu2272 residue is conserved in mammals and four out of five computational analyses (PolyPhen-2, SIFT, AlignGVGD, BLOSUM, MutationTaster) suggest that the p.Glu2272Lys variant may impact the protein; however, this information is not predictive enough to assume pathogenicity. The variant occurs outside of the splicing consensus sequence and in silico or computational prediction software programs (SpliceSiteFinder, MaxEntScan, NNSPLICE, GeneSplicer) do not predict a difference in splicing. In summary, based on the above information the clinical significance of this variant cannot be determined with certainty at this time. This variant is classified as a variant of uncertain significance.

Literature cited by the submitters: PubMed 12673804 (cited by 6 submitters); PubMed 31050087 (cited by 6 submitters); PubMed 35095854 (cited by Women's Health and Genetics/Laboratory Corporation of America, LabCorp); PubMed 40105422 (cited by Women's Health and Genetics/Laboratory Corporation of America, LabCorp); PubMed 32885271 (cited by 3 submitters).